The following is an entry in ClinVar:

NM_033026.6(PCLO):c.10814G>A (p.Arg3605Gln)

Gene: PCLO (piccolo presynaptic cytomatrix protein; minus strand). Cytogenetic location: 7q21.11.
Variant type: single nucleotide variant.
Coding change: c.10814G>A on transcript NM_033026.6 (MANE Select); coding-DNA position 10814, G replaced by A.
Protein change: p.Arg3605Gln; replaces arginine 3605 with glutamine.
Molecular consequence: missense variant.
Genome position (GRCh38, 1-based): chr7:82,949,774, C>T on the plus strand (G>A on the coding strand, the complement: PCLO is on the minus strand). VCF-style: chr7-82949774-C-T. GRCh37 (hg19) VCF-style: chr7-82579090-C-T.
Other names: c.10814G>A, p.Arg3605Gln (NM_014510.3); c.10814G>A (NM_033026.5); short protein forms R3605Q.
Identifiers: ClinVar variation 1360974 (VCV001360974.6), dbSNP rs763414257, ClinGen allele CA4319676.
Genomic context (GRCh38, chr7:82,949,774, plus strand): 5'-GAGTAAAGGACTTTGGGGGATTTGGGTGGGGAAGGAGCCAGCTGTACTGTGGAATCTGCC[C>T]GGAGGTGAGATGAATAACCAATCTCTAAAGGTGTTGGGCGTTTCTTGTCTTTGGGTGGAG-3'
Protein context (NP_149015.2, residues 3595-3615): PLEIGYSSHL[Arg3605Gln]ADSTVQLAPS

ClinVar aggregate classification (germline): Uncertain significance. Review status: criteria provided, multiple submitters, no conflicts (2 of 4 stars). 2 submissions from 2 submitters: Uncertain significance (2). Last evaluated 2022-06-13.

Conditions:
Inborn genetic diseases. Identifiers: MedGen C0950123, MeSH D030342.

Allele frequency attached by ClinVar (database versions not stated): gnomAD exomes 0.00001 and 0.00002; ExAC 0.00002; TOPMed 0.00003; gnomAD 0.00004.
gnomAD v4.1: 22 of 1,613,496 alleles (0.0014%); highest among the groups gnomAD compares: African/African-American, 0.008%; no homozygotes.

Submissions (2):

Labcorp Genetics (formerly Invitae), Labcorp
Classification: Uncertain significance. Last evaluated: 2022-06-13. Review status: criteria provided, single submitter. Criteria: Invitae Variant Classification Sherloc (09022015). Collection method: clinical testing. Allele origin: germline.
Comment: This sequence change replaces arginine, which is basic and polar, with glutamine, which is neutral and polar, at codon 3605 of the PCLO protein (p.Arg3605Gln). This variant is present in population databases (rs763414257, gnomAD 0.008%). This variant has not been reported in the literature in individuals affected with PCLO-related conditions. Algorithms developed to predict the effect of missense changes on protein structure and function are either unavailable or do not agree on the potential impact of this missense change (SIFT: "Deleterious"; PolyPhen-2: "Not Available"; Align-GVGD: "Class C0"). Algorithms developed to predict the effect of sequence changes on RNA splicing suggest that this variant may create or strengthen a splice site. In summary, the available evidence is currently insufficient to determine the role of this variant in disease. Therefore, it has been classified as a Variant of Uncertain Significance.

Ambry Genetics
Classification: Uncertain significance for Inborn genetic diseases. Last evaluated: 2022-01-07. Review status: criteria provided, single submitter. Criteria: Ambry Variant Classification Scheme 2023. Collection method: clinical testing. Allele origin: germline.

Literature cited by the submitters: PubMed 31785789 (cited by Ambry Genetics).